The following is an entry in ClinVar:

NM_024675.4(PALB2):c.1283T>A (p.Val428Asp)

Gene: PALB2 (partner and localizer of BRCA2; minus strand). Cytogenetic location: 16p12.2.
Variant type: single nucleotide variant.
Coding change: c.1283T>A on transcript NM_024675.4 (MANE Select); coding-DNA position 1283, T replaced by A.
Protein change: p.Val428Asp; replaces valine 428 with aspartic acid.
Molecular consequence: missense variant. On other transcripts: intron variant (3).
Genome position (GRCh38, 1-based): chr16:23,635,263, A>T on the plus strand (T>A on the coding strand, the complement: PALB2 is on the minus strand). VCF-style: chr16-23635263-A-T. GRCh37 (hg19) VCF-style: chr16-23646584-A-T.
Other names: c.1223T>A, p.Val408Asp (NM_001407296.1); c.1283T>A, p.Val428Asp (NM_001407297.1, NM_001407298.1, NM_001407299.1 and 3 more transcripts); c.398T>A, p.Val133Asp (NM_001407304.1, NM_001407305.1, NM_001407306.1 and 5 more transcripts); c.48+5847T>A (NM_001407314.1); c.-104-4794T>A (NM_001407313.1, NM_001407312.1); short protein forms V133D, V408D, V428D.
Identifiers: ClinVar variation 4741202 (VCV004741202.1).

ClinVar aggregate classification (germline): Uncertain significance (1 of 4 stars; one submission).

Conditions:
Familial cancer of breast. Also called: BREAST CANCER, FAMILIAL; Hereditary breast cancer; hereditary breast carcinoma. Identifiers: Orphanet 227535, MedGen C0346153, MONDO:0016419, OMIM 114480. Disease mechanism: loss of function.

Submission:

Labcorp Genetics (formerly Invitae), Labcorp
Classification: Uncertain significance for Familial cancer of breast. Last evaluated: 2026-01-05. Review status: criteria provided, single submitter. Criteria: Invitae Variant Classification Sherloc (09022015). Collection method: clinical testing. Allele origin: germline.
Comment: This sequence change replaces valine, which is neutral and non-polar, with aspartic acid, which is acidic and polar, at codon 428 of the PALB2 protein (p.Val428Asp). This variant is not present in population databases (gnomAD no frequency). This variant has not been reported in the literature in individuals affected with PALB2-related conditions. Invitae Evidence Modeling of protein sequence and biophysical properties (such as structural, functional, and spatial information, amino acid conservation, physicochemical variation, residue mobility, and thermodynamic stability) indicates that this missense variant is expected to disrupt PALB2 protein function with a positive predictive value of 80%. In summary, the available evidence is currently insufficient to determine the role of this variant in disease. Therefore, it has been classified as a Variant of Uncertain Significance.